The following is an entry in ClinVar:

NM_018671.5(UNC45A):c.1208T>A (p.Phe403Tyr)

Gene: UNC45A (unc-45 myosin chaperone A; plus strand). Cytogenetic location: 15q26.1.
Variant type: single nucleotide variant.
Coding change: c.1208T>A on transcript NM_018671.5 (MANE Select); coding-DNA position 1208, T replaced by A.
Protein change: p.Phe403Tyr; replaces phenylalanine 403 with tyrosine.
Molecular consequence: missense variant.
Genome position (GRCh38, 1-based): chr15:90,946,622, T>A. VCF-style: chr15-90946622-T-A. GRCh37 (hg19) VCF-style: chr15-91489852-T-A.
Other names: c.1163T>A, p.Phe388Tyr (NM_001039675.2, NM_001323621.2); c.1208T>A, p.Phe403Tyr (NM_001323619.1); c.773T>A, p.Phe258Tyr (NM_001323620.2); short protein forms F388Y, F258Y, F403Y.
Identifiers: ClinVar variation 1525931 (VCV001525931.6), dbSNP rs979322958, ClinGen allele CA274748357.
Genomic context (GRCh38, chr15:90,946,622, plus strand): 5'-GAGTCCCTTTATGTTGGCCTTGGTGTGACGGCTGTCACCCTGTGCCCCTCAGGAGCTGGT[T>A]TGAGGGCCAAGGGCTGGCCGGGAAGCTACGGGCCATCCAGACGGTGTCCTGCCTCCTGCA-3'
Protein context (NP_061141.2, residues 393-413): RLCENYIKSW[Phe403Tyr]EGQGLAGKLR

ClinVar aggregate classification (germline): Uncertain significance (1 of 4 stars; one submission).

Allele frequency attached by ClinVar (database versions not stated): gnomAD 0.00001; TOPMed 0.00002.
gnomAD v4.1: 1 of 1,603,680 alleles (0.000062%); highest among the groups gnomAD compares: African/African-American, 0.0013%; no homozygotes.

Submission:

Labcorp Genetics (formerly Invitae), Labcorp
Classification: Uncertain significance. Last evaluated: 2022-07-25. Review status: criteria provided, single submitter. Criteria: Invitae Variant Classification Sherloc (09022015). Collection method: clinical testing. Allele origin: germline.
Comment: In summary, the available evidence is currently insufficient to determine the role of this variant in disease. Therefore, it has been classified as a Variant of Uncertain Significance. Algorithms developed to predict the effect of missense changes on protein structure and function are either unavailable or do not agree on the potential impact of this missense change (SIFT: "Not Available"; PolyPhen-2: "Probably Damaging"; Align-GVGD: "Not Available"). ClinVar contains an entry for this variant (Variation ID: 1525931). This variant has not been reported in the literature in individuals affected with UNC45A-related conditions. This variant is not present in population databases (gnomAD no frequency). This sequence change replaces phenylalanine, which is neutral and non-polar, with tyrosine, which is neutral and polar, at codon 403 of the UNC45A protein (p.Phe403Tyr).